The following is an entry in ClinVar:

NM_000536.4(RAG2):c.1526G>T (p.Gly509Val)

Gene: RAG2 (recombination activating 2; minus strand). Cytogenetic location: 11p12.
Variant type: single nucleotide variant.
Coding change: c.1526G>T on transcript NM_000536.4 (MANE Select); coding-DNA position 1526, G replaced by T.
Protein change: p.Gly509Val; replaces glycine 509 with valine.
Molecular consequence: missense variant.
Genome position (GRCh38, 1-based): chr11:36,592,643, C>A on the plus strand (G>T on the coding strand, the complement: RAG2 is on the minus strand). VCF-style: chr11-36592643-C-A. GRCh37 (hg19) VCF-style: chr11-36614193-C-A.
Other names: c.1526G>T, p.Gly509Val (NM_001243785.2, NM_001243786.2); short protein forms G509V.
Identifiers: ClinVar variation 618341 (VCV000618341.16), dbSNP rs779267024, ClinGen allele CA5950399.

ClinVar aggregate classification (germline): Uncertain significance. Review status: criteria provided, multiple submitters, no conflicts (2 of 4 stars). 4 submissions from 4 submitters: Uncertain significance (3). 1 of the submissions does not count toward it. Last evaluated 2022-11-07.

Conditions:
Combined immunodeficiency with skin granulomas. Identifiers: Orphanet 157949, MedGen C2673536, MONDO:0009306, OMIM 233650.
Severe combined immunodeficiency, autosomal recessive, T cell-negative, B cell-negative, NK cell-positive. Also called: SCID, T CELL-NEGATIVE, B CELL-NEGATIVE, NK CELL-POSITIVE; Severe combined immunodeficiency due to complete RAG1/2 deficiency; SCID, AR, T-cell negative, B-cell negative, NK cell-positive. Identifiers: Orphanet 331206, MedGen C1832322, MONDO:0011086, OMIM 601457.
Inborn genetic diseases. Identifiers: MedGen C0950123, MeSH D030342.
Histiocytic medullary reticulosis. Also called: SEVERE COMBINED IMMUNODEFICIENCY WITH HYPEREOSINOPHILIA; Omenn syndrome. Identifiers: Orphanet 39041, MedGen C2700553, MONDO:0011338, OMIM 603554.

Allele frequency attached by ClinVar (database versions not stated): TOPMed below 0.00001; gnomAD 0.00001.
gnomAD v4.1: 17 of 1,614,030 alleles (0.0011%); highest among the groups gnomAD compares: Non-Finnish European, 0.0014%; no homozygotes.

Submissions (4):

Ambry Genetics
Classification: Uncertain significance for Inborn genetic diseases. Last evaluated: 2022-11-07. Review status: criteria provided, single submitter. Criteria: Ambry Variant Classification Scheme 2023. Collection method: clinical testing. Allele origin: germline.

Labcorp Genetics (formerly Invitae), Labcorp
Classification: Uncertain significance for Combined immunodeficiency with skin granulomas; Severe combined immunodeficiency, autosomal recessive, T cell-negative, B cell-negative, NK cell-positive. Last evaluated: 2022-04-04. Review status: criteria provided, single submitter. Criteria: Invitae Variant Classification Sherloc (09022015). Collection method: clinical testing. Allele origin: germline.
Comment: This sequence change replaces glycine, which is neutral and non-polar, with valine, which is neutral and non-polar, at codon 509 of the RAG2 protein (p.Gly509Val). This variant is present in population databases (rs779267024, gnomAD 0.002%). This variant has not been reported in the literature in individuals affected with RAG2-related conditions. ClinVar contains an entry for this variant (Variation ID: 618341). Advanced modeling of protein sequence and biophysical properties (such as structural, functional, and spatial information, amino acid conservation, physicochemical variation, residue mobility, and thermodynamic stability) performed at Invitae indicates that this missense variant is not expected to disrupt RAG2 protein function. In summary, the available evidence is currently insufficient to determine the role of this variant in disease. Therefore, it has been classified as a Variant of Uncertain Significance.

ARUP Laboratories, Molecular Genetics and Genomics, ARUP Laboratories
Classification: Uncertain significance. Last evaluated: 2017-09-25. Review status: criteria provided, single submitter. Criteria: ARUP Molecular Germline Variant Investigation Process. Collection method: clinical testing. Allele origin: germline.
Comment: The p.Gly509Val variant (rs779267024) has not been reported in the medical literature, gene specific variation databases, nor has it been previously identified by our laboratory. This variant is listed in the genome Aggregation Database (gnomAD) on 2 chromosomes (2 out of 246,182 chromosomes).The glycine at position 509 is moderately conserved (Alamut v.2.10.0) and computational analyses of the effects of the p.Gly509Val variant on protein structure and function provide conflicting results (SIFT: tolerated, MutationTaster: disease causing, PolyPhen-2: benign). Altogether, there is not enough evidence to classify the p.Gly509Val variant with certainty.

Natera, Inc.
Classification: Uncertain significance for Omenn syndrome. Last evaluated: 2020-09-11. Review status: no assertion criteria provided. Collection method: clinical testing. Allele origin: germline. Not counted in ClinVar's aggregate classification.